The following is an entry in ClinVar:

ClinVar aggregate classification (germline): Likely benign. Review status: criteria provided, multiple submitters, no conflicts (2 of 4 stars). 2 submissions from 2 submitters: Likely benign (2). Last evaluated 2018-01-12.

Conditions:
Autosomal recessive limb-girdle muscular dystrophy type 2K. Also called: MUSCULAR DYSTROPHY, LIMB-GIRDLE, TYPE 2K; MUSCULAR DYSTROPHY-DYSTROGLYCANOPATHY (LIMB-GIRDLE), TYPE C, 1. Identifiers: Orphanet 86812, MedGen C1836373, MONDO:0012248, OMIM 609308.

Allele frequency attached by ClinVar (database versions not stated): gnomAD exomes 0.00092; gnomAD 0.00584 and 0.00610; TOPMed 0.00592; 1000 Genomes Project 30x 0.00812; 1000 Genomes Project 0.00839.
gnomAD v4.1: 1,367 of 637,462 alleles (0.21%); highest among the groups gnomAD compares: African/African-American, 1.9%; 11 homozygotes.

Submissions (3):

Illumina Laboratory Services, Illumina
Classification: Likely benign for Autosomal recessive limb-girdle muscular dystrophy type 2K. Last evaluated: 2018-01-12. Review status: criteria provided, single submitter. Criteria: ICSL Variant Classification Criteria 13 December 2019. Collection method: clinical testing. Allele origin: germline.
Comment: This variant was observed in the ICSL laboratory as part of a predisposition screen in an ostensibly healthy population. It had not been previously curated by ICSL or reported in the Human Gene Mutation Database (HGMD: prior to June 1st, 2018), and was therefore a candidate for classification through an automated scoring system. Utilizing variant allele frequency, disease prevalence and penetrance estimates, and inheritance mode, an automated score was calculated to assess if this variant is too frequent to cause the disease. Based on the score and internal cut-off values, a variant classified as likely benign is not then subjected to further curation. The score for this variant resulted in a classification of likely benign for this disease.

Breakthrough Genomics
Classification: Likely benign. Review status: criteria provided, single submitter. Criteria: ACMG Guidelines, 2015. Collection method: not provided. Allele origin: germline. Inheritance: Autosomal recessive inheritance. Affected: yes.

Dr. Peter K. Rogan Lab, Western University
No classification provided (evidence only). Condition: Uterine corpus endometrial carcinoma. Review status: no classification provided. Collection method: in vitro. Allele origin: not applicable. Functional consequence: retained intron. Not counted in ClinVar's aggregate classification.

NM_001077365.2(POMT1):c.*206A>G

Gene: POMT1 (protein O-mannosyltransferase 1; plus strand). Cytogenetic location: 9q34.13.
Variant type: single nucleotide variant.
Coding change: c.*206A>G on transcript NM_001077365.2 (MANE Select); 206 bases downstream of the stop codon, A replaced by G.
Molecular consequence: 3 prime UTR variant. On other transcripts: non-coding transcript variant (7).
Genome position (GRCh38, 1-based): chr9:131,523,312, A>G. VCF-style: chr9-131523312-A-G. GRCh37 (hg19) VCF-style: chr9-134398699-A-G.
Other names: NC_000009.11:g.134398699A>G; c.*206A>G (NM_001077366.2, NM_001136113.2, NM_001136114.2 and 15 more transcripts).
Identifiers: ClinVar variation 912898 (VCV000912898.6), dbSNP rs111470256, ClinGen allele CA200798727.
Genomic context (GRCh38, chr9:131,523,312, plus strand): 5'-CTCATTGAAAAGCTCTCTGATGAGCACCTCCTTTTGTGCAAAGTTAATTTTTTCTCGACA[A>G]TAAAGATATTCCGTGTCTTTACCCCTGAACTAAGACACAGGGAGTATTTCAGAGGCCAGC-3'